The following is an entry in ClinVar:

NM_007347.5(AP4E1):c.2692A>C (p.Lys898Gln)

Gene: AP4E1 (adaptor related protein complex 4 subunit epsilon 1; plus strand). Cytogenetic location: 15q21.2.
Variant type: single nucleotide variant.
Coding change: c.2692A>C on transcript NM_007347.5 (MANE Select); coding-DNA position 2692, A replaced by C.
Protein change: p.Lys898Gln; replaces lysine 898 with glutamine.
Molecular consequence: missense variant.
Genome position (GRCh38, 1-based): chr15:50,997,671, A>C. VCF-style: chr15-50997671-A-C. GRCh37 (hg19) VCF-style: chr15-51289868-A-C.
Other names: c.2467A>C, p.Lys823Gln (NM_001252127.2); c.2692A>C (NM_007347.3); short protein forms K823Q, K898Q.
Identifiers: ClinVar variation 643361 (VCV000643361.9), dbSNP rs753791503, ClinGen allele CA392420525.

ClinVar aggregate classification (germline): Uncertain significance. Review status: criteria provided, multiple submitters, no conflicts (2 of 4 stars). 2 submissions from 2 submitters: Uncertain significance (2). Last evaluated 2024-10-12.

Conditions:
Inborn genetic diseases. Identifiers: MedGen C0950123, MeSH D030342.
Spastic paraplegia. Identifiers: MedGen C0037772, HP:0001258.

gnomAD v4.1: 2 of 1,614,060 alleles (0.00012%); highest among the groups gnomAD compares: Non-Finnish European, 0.00017%; no homozygotes.

Submissions (2):

Ambry Genetics
Classification: Uncertain significance for Inborn genetic diseases. Last evaluated: 2024-10-12. Review status: criteria provided, single submitter. Criteria: Ambry Variant Classification Scheme 2023. Collection method: clinical testing. Allele origin: germline.

Labcorp Genetics (formerly Invitae), Labcorp
Classification: Uncertain significance for Spastic paraplegia. Last evaluated: 2018-07-25. Review status: criteria provided, single submitter. Criteria: Invitae Variant Classification Sherloc (09022015). Collection method: clinical testing. Allele origin: germline.
Comment: This sequence change replaces lysine with glutamine at codon 898 of the AP4E1 protein (p.Lys898Gln). The lysine residue is weakly conserved and there is a small physicochemical difference between lysine and glutamine. In summary, the available evidence is currently insufficient to determine the role of this variant in disease. Therefore, it has been classified as a Variant of Uncertain Significance. Algorithms developed to predict the effect of missense changes on protein structure and function (SIFT, PolyPhen-2, Align-GVGD) all suggest that this variant is likely to be tolerated, but these predictions have not been confirmed by published functional studies and their clinical significance is uncertain. This variant has not been reported in the literature in individuals with AP4E1-related disease. This variant is not present in population databases (ExAC no frequency).